The following is an entry in ClinVar:

NM_020928.2(ZSWIM6):c.2013A>G (p.Glu671=)

Gene: ZSWIM6 (zinc finger SWIM-type containing 6; plus strand). Cytogenetic location: 5q12.1.
Variant type: single nucleotide variant.
Coding change: c.2013A>G on transcript NM_020928.2 (MANE Select); coding-DNA position 2013, A replaced by G.
Protein change: p.Glu671=; no amino-acid change (glutamic acid 671 retained).
Molecular consequence: synonymous variant.
Genome position (GRCh38, 1-based): chr5:61,531,493, A>G. VCF-style: chr5-61531493-A-G. GRCh37 (hg19) VCF-style: chr5-60827320-A-G.
Identifiers: ClinVar variation 781626 (VCV000781626.51), dbSNP rs369326083, ClinGen allele CA3278412.

ClinVar aggregate classification (germline): Benign/Likely benign. Review status: criteria provided, multiple submitters, no conflicts (2 of 4 stars). 3 submissions from 3 submitters: Benign (1); Likely benign (2). Last evaluated 2025-12-04.

Allele frequency attached by ClinVar (database versions not stated): gnomAD exomes 0.00021 and 0.00058; ESP Exome Variant Server 0.00022; TOPMed 0.00026; gnomAD 0.00027 and 0.00029; ExAC 0.00098.
gnomAD v4.1: 358 of 1,551,514 alleles (0.023%); highest among the groups gnomAD compares: Non-Finnish European, 0.0055%; 3 homozygotes.

Submissions (3):

Labcorp Genetics (formerly Invitae), Labcorp
Classification: Benign. Last evaluated: 2025-12-04. Review status: criteria provided, single submitter. Criteria: Invitae Variant Classification Sherloc (09022015). Collection method: clinical testing. Allele origin: germline.

CeGaT Center for Human Genetics Tuebingen
Classification: Likely benign. Last evaluated: 2025-06-01. Review status: criteria provided, single submitter. Criteria: CeGaT Center For Human Genetics Tuebingen Variant Classification Criteria Version 2. Collection method: clinical testing. Allele origin: germline. Affected: yes. Observed: 3 variant alleles.
Comment: ZSWIM6: BP4, BP7

Blueprint Genetics
Classification: Likely benign. Last evaluated: 2024-07-19. Review status: criteria provided, single submitter. Criteria: ACMG Guidelines, 2015. Collection method: clinical testing. Allele origin: germline.